The following is an entry in ClinVar:

NM_020975.6(RET):c.751G>A (p.Glu251Lys)

Gene: RET (ret proto-oncogene; plus strand). Cytogenetic location: 10q11.21.
Variant type: single nucleotide variant.
Coding change: c.751G>A on transcript NM_020975.6 (MANE Select); coding-DNA position 751, G replaced by A.
Protein change: p.Glu251Lys; replaces glutamic acid 251 with lysine.
Molecular consequence: missense variant.
Genome position (GRCh38, 1-based): chr10:43,105,077, G>A. VCF-style: chr10-43105077-G-A. GRCh37 (hg19) VCF-style: chr10-43600525-G-A.
Other names: c.751G>A, p.Glu251Lys (NM_000323.2, NM_001406743.1, NM_001406744.1 and 8 more transcripts); c.-12G>A (NM_001355216.2); c.622G>A, p.Glu208Lys (NM_001406761.1, NM_001406762.1, NM_001406764.1 and 2 more transcripts); c.463G>A, p.Glu155Lys (NM_001406766.1, NM_001406767.1, NM_001406770.1); short protein forms E251K, E208K, E155K.
Identifiers: ClinVar variation 1037025 (VCV001037025.11), dbSNP rs562449603, ClinGen allele CA206256826.

ClinVar aggregate classification (germline): Uncertain significance. Review status: criteria provided, multiple submitters, no conflicts (2 of 4 stars). 3 submissions from 3 submitters: Uncertain significance (3). Last evaluated 2024-10-03.

Conditions:
Hereditary cancer-predisposing syndrome. Also called: Neoplastic Syndromes, Hereditary; Hereditary Cancer Syndrome; Tumor predisposition; Hereditary neoplastic syndrome. Identifiers: Orphanet 140162, MedGen C0027672, MeSH D009386, MONDO:0015356.
Multiple endocrine neoplasia, type 2 (MEN2). Identifiers: Orphanet 653, MedGen C4048306, MONDO:0019003. Disease mechanism: gain of function.

Allele frequency attached by ClinVar (database versions not stated): gnomAD exomes below 0.00001; gnomAD 0.00001; 1000 Genomes Project 0.00020; 1000 Genomes Project 30x 0.00031.
gnomAD v4.1: 2 of 1,611,056 alleles (0.00012%); highest among the groups gnomAD compares: Admixed American, 0.0017%; no homozygotes.

Submissions (3):

Ambry Genetics
Classification: Uncertain significance for Hereditary cancer-predisposing syndrome. Last evaluated: 2024-10-03. Review status: criteria provided, single submitter. Criteria: Ambry Variant Classification Scheme 2023. Collection method: clinical testing. Allele origin: germline.
Comment: The p.E251K variant (also known as c.751G>A), located in coding exon 4 of the RET gene, results from a G to A substitution at nucleotide position 751. The glutamic acid at codon 251 is replaced by lysine, an amino acid with similar properties. This alteration was identified in an individual with Hirschsprung disease (Atti&eacute; T et al. Hum Mol Genet, 1995 Aug;4:1381-6). This amino acid position is not well conserved in available vertebrate species. In addition, this alteration is predicted to be tolerated by in silico analysis. Based on the available evidence, the clinical significance of this variant remains unclear.

Labcorp Genetics (formerly Invitae), Labcorp
Classification: Uncertain significance for Multiple endocrine neoplasia, type 2. Last evaluated: 2024-06-04. Review status: criteria provided, single submitter. Criteria: Invitae Variant Classification Sherloc (09022015). Collection method: clinical testing. Allele origin: germline.
Comment: This sequence change replaces glutamic acid, which is acidic and polar, with lysine, which is basic and polar, at codon 251 of the RET protein (p.Glu251Lys). This variant is not present in population databases (gnomAD no frequency). This missense change has been observed in individual(s) with Hirschsprung disease (PMID: 7581377). ClinVar contains an entry for this variant (Variation ID: 1037025). Algorithms developed to predict the effect of missense changes on protein structure and function output the following: SIFT: "Not Available"; PolyPhen-2: "Benign"; Align-GVGD: "Not Available". The lysine amino acid residue is found in multiple mammalian species, which suggests that this missense change does not adversely affect protein function. In summary, the available evidence is currently insufficient to determine the role of this variant in disease. Therefore, it has been classified as a Variant of Uncertain Significance.

GeneDx
Classification: Uncertain significance. Last evaluated: 2023-04-14. Review status: criteria provided, single submitter. Criteria: GeneDx Variant Classification Process June 2021. Collection method: clinical testing. Allele origin: germline. Affected: yes.
Comment: Reported in individuals with Hirschsprung disease from one family in the literature (Attie et al., 1995); Not observed at significant frequency in large population cohorts (gnomAD); In silico analysis supports that this missense variant does not alter protein structure/function; This variant is associated with the following publications: (PMID: 14633923, 7581377)

Literature cited by the submitters: PubMed 7581377 (cited by Ambry Genetics and Labcorp Genetics (formerly Invitae), Labcorp).